The following is an entry in ClinVar:

NM_025114.4(CEP290):c.2483+1G>A

Gene: CEP290 (centrosomal protein 290; minus strand). Cytogenetic location: 12q21.32.
Variant type: single nucleotide variant.
Coding change: c.2483+1G>A on transcript NM_025114.4 (MANE Select); the canonical splice donor site of the intron after coding-DNA position 2483, G replaced by A.
Molecular consequence: splice donor variant.
Genome position (GRCh38, 1-based): chr12:88,109,065, C>T on the plus strand (G>A on the coding strand, the complement: CEP290 is on the minus strand). VCF-style: chr12-88109065-C-T. GRCh37 (hg19) VCF-style: chr12-88502842-C-T.
Identifiers: ClinVar variation 1494607 (VCV001494607.7), dbSNP rs2137661795, ClinGen allele CA385972465.
Genomic context (GRCh38, chr12:88,109,065, plus strand): 5'-TACTTTCACAATTAACAAGAATATACTGCAATTATATTTATAGTTTTGCTAATACCTATA[C>T]CTTAGGTATTCTTTATACAACAAACTTTGTTGATGACGAATTACAGCAAATTTTCTGTTG-3'

ClinVar aggregate classification (germline): Likely pathogenic. Review status: criteria provided, multiple submitters, no conflicts (2 of 4 stars). 2 submissions from 2 submitters: Likely pathogenic (2). Last evaluated 2024-03-16.

Conditions:
Nephronophthisis. Also called: Juvenile Nephronophthisis. Identifiers: Orphanet 655, MedGen C0687120, MONDO:0019005, HP:0000090.
Meckel-Gruber syndrome. Also called: DYSENCEPHALIA SPLANCHNOCYSTICA; GRUBER SYNDROME; Dysencephalia splachnocystica. Identifiers: Orphanet 564, MedGen C0265215, MONDO:0018921.
Joubert syndrome. Also called: CEREBELLOPARENCHYMAL DISORDER IV; JOUBERT-BOLTSHAUSER SYNDROME; Familial aplasia of the vermis. Identifiers: Orphanet 475, MedGen C5979921, MONDO:0018772.
Joubert syndrome 5 (JBTS5). Identifiers: Orphanet 2318, MedGen C1857780, MONDO:0012432, OMIM 610188.
Leber congenital amaurosis 10 (LCA10). Identifiers: Orphanet 65, MedGen C1857821, MONDO:0012723, OMIM 611755.
Senior-Loken syndrome 6 (SLSN6). Identifiers: Orphanet 3156, MedGen C1857779, MONDO:0012433, OMIM 610189.
Bardet-Biedl syndrome 14 (BBS14). Identifiers: Orphanet 110, MedGen C2673874, MONDO:0014442, OMIM 615991.
Meckel syndrome, type 4 (MKS4). Also called: MECKEL-GRUBER SYNDROME, TYPE 4. Identifiers: Orphanet 564, MedGen C1970161, MONDO:0012626, OMIM 611134.

Submissions (2):

Fulgent Genetics
Classification: Likely pathogenic for Joubert syndrome 5; Senior-Loken syndrome 6; Meckel syndrome, type 4; Leber congenital amaurosis 10; Bardet-Biedl syndrome 14. Last evaluated: 2024-03-16. Review status: criteria provided, single submitter. Criteria: ACMG Guidelines, 2015. Collection method: clinical testing. Allele origin: germline.

Labcorp Genetics (formerly Invitae), Labcorp
Classification: Likely pathogenic for Joubert syndrome; Meckel-Gruber syndrome; Nephronophthisis. Last evaluated: 2024-03-16. Review status: criteria provided, single submitter. Criteria: Invitae Variant Classification Sherloc (09022015). Collection method: clinical testing. Allele origin: germline.
Comment: This sequence change affects a donor splice site in intron 23 of the CEP290 gene. It is expected to disrupt RNA splicing. Variants that disrupt the donor or acceptor splice site typically lead to a loss of protein function (PMID: 16199547), and loss-of-function variants in CEP290 are known to be pathogenic (PMID: 16909394, 17345604, 20690115). This variant is not present in population databases (gnomAD no frequency). This variant has not been reported in the literature in individuals affected with CEP290-related conditions. ClinVar contains an entry for this variant (Variation ID: 1494607). Algorithms developed to predict the effect of sequence changes on RNA splicing suggest that this variant may disrupt the consensus splice site. In summary, the currently available evidence indicates that the variant is pathogenic, but additional data are needed to prove that conclusively. Therefore, this variant has been classified as Likely Pathogenic.

Literature cited by the submitters: PubMed 16199547 (cited by Labcorp Genetics (formerly Invitae), Labcorp); PubMed 16909394 (cited by Labcorp Genetics (formerly Invitae), Labcorp); PubMed 17345604 (cited by Labcorp Genetics (formerly Invitae), Labcorp); PubMed 20690115 (cited by Labcorp Genetics (formerly Invitae), Labcorp).